The following is an entry in ClinVar:

ClinVar aggregate classification (germline): Uncertain significance (1 of 4 stars; one submission).

Conditions:
Hereditary cancer-predisposing syndrome. Also called: Tumor predisposition; Hereditary neoplastic syndrome; Neoplastic Syndromes, Hereditary; Hereditary Cancer Syndrome. Identifiers: Orphanet 140162, MedGen C0027672, MeSH D009386, MONDO:0015356.

Submission:

Ambry Genetics
Classification: Uncertain significance for Hereditary cancer-predisposing syndrome. Last evaluated: 2025-04-05. Review status: criteria provided, single submitter. Criteria: Ambry Variant Classification Scheme 2023. Collection method: clinical testing. Allele origin: germline.
Comment: The p.G94V variant (also known as c.281G>T), located in coding exon 2 of the FLCN gene, results from a G to T substitution at nucleotide position 281. The glycine at codon 94 is replaced by valine, an amino acid with dissimilar properties. This amino acid position is conserved. In addition, this alteration is predicted to be deleterious by in silico analysis. Based on the available evidence, the clinical significance of this variant remains unclear.

NM_144997.7(FLCN):c.281G>T (p.Gly94Val)

Gene: FLCN (folliculin; minus strand). Cytogenetic location: 17p11.2.
Variant type: single nucleotide variant.
Coding change: c.281G>T on transcript NM_144997.7 (MANE Select); coding-DNA position 281, G replaced by T.
Protein change: p.Gly94Val; replaces glycine 94 with valine.
Molecular consequence: missense variant.
Genome position (GRCh38, 1-based): chr17:17,226,291, C>A on the plus strand (G>T on the coding strand, the complement: FLCN is on the minus strand). VCF-style: chr17-17226291-C-A. GRCh37 (hg19) VCF-style: chr17-17129605-C-A.
Other names: c.281G>T, p.Gly94Val (NM_001353229.2, NM_001353230.2, NM_001353231.2 and 1 more transcripts); short protein forms G94V.
Identifiers: ClinVar variation 4025308 (VCV004025308.1).